The following is an entry in ClinVar:

NM_139315.3(TAF6):c.586_587delinsGC (p.Lys196Ala)

Gene: TAF6 (TATA-box binding protein associated factor 6; minus strand). Cytogenetic location: 7q22.1.
Variant type: Indel.
Coding change: c.586_587delinsGC on transcript NM_139315.3 (MANE Select); coding-DNA positions 586 to 587, AA replaced by GC.
Protein change: p.Lys196Ala; replaces lysine 196 with alanine.
Molecular consequence: missense variant. On other transcripts: non-coding transcript variant (1).
Genome position (GRCh38, 1-based): chr7:100,112,241-100,112,242, TT replaced by GC on the plus strand (AA replaced by GC on the coding strand, the reverse complement: TAF6 is on the minus strand). VCF-style: chr7-100112241-TT-GC. GRCh37 (hg19) VCF-style: chr7-99709864-TT-GC.
Other names: c.697_698delinsGC, p.Lys233Ala (NM_001190415.2); c.586_587delinsGC, p.Lys196Ala (NM_001364998.1, NM_001364999.1, NM_005641.4); c.556_557delinsGC, p.Lys186Ala (NM_001365000.1, NM_001365001.1, NM_001365002.1 and 1 more transcripts); c.724_725delinsGC, p.Lys242Ala (NM_001365004.1); short protein forms K186A, K196A, K242A, K233A.
Identifiers: ClinVar variation 3017223 (VCV003017223.3), dbSNP rs2546991240, ClinGen allele CA2740097433.

ClinVar aggregate classification (germline): Uncertain significance (1 of 4 stars; one submission).

Submission:

Labcorp Genetics (formerly Invitae), Labcorp
Classification: Uncertain significance. Last evaluated: 2024-08-05. Review status: criteria provided, single submitter. Criteria: Invitae Variant Classification Sherloc (09022015). Collection method: clinical testing. Allele origin: germline.
Comment: This sequence change replaces lysine, which is basic and polar, with alanine, which is neutral and non-polar, at codon 196 of the TAF6 protein (p.Lys196Ala). This variant is present in population databases (no rsID available, gnomAD 0.002%). This variant has not been reported in the literature in individuals affected with TAF6-related conditions. An algorithm developed to predict the effect of missense changes on protein structure and function (PolyPhen-2) suggests that this variant is likely to be tolerated. In summary, the available evidence is currently insufficient to determine the role of this variant in disease. Therefore, it has been classified as a Variant of Uncertain Significance.